The following is an entry in ClinVar:

ClinVar aggregate classification (germline): Pathogenic (1 of 4 stars; one submission).

Conditions:
Capillary malformation-arteriovenous malformation syndrome. Also called: Capillary malformation-arteriovenous malformation. Identifiers: Orphanet 137667, MedGen C1842180, MONDO:0012016.

Submission:

Labcorp Genetics (formerly Invitae), Labcorp
Classification: Pathogenic for Capillary malformation-arteriovenous malformation syndrome. Last evaluated: 2021-12-19. Review status: criteria provided, single submitter. Criteria: Invitae Variant Classification Sherloc (09022015). Collection method: clinical testing. Allele origin: germline.
Comment: For these reasons, this variant has been classified as Pathogenic. Variants that disrupt the consensus splice site are a relatively common cause of aberrant splicing (PMID: 17576681, 9536098). Algorithms developed to predict the effect of sequence changes on RNA splicing suggest that this variant is not likely to affect RNA splicing. This variant has been observed in individual(s) with clinical features of RASA1-related conditions (Invitae). In at least one individual the variant was observed to be de novo. This variant is not present in population databases (gnomAD no frequency). This sequence change falls in intron 3 of the RASA1 gene. It does not directly change the encoded amino acid sequence of the RASA1 protein. It affects a nucleotide within the consensus splice site.

Literature cited by the submitters: PubMed 17576681; PubMed 9536098.

NM_002890.3(RASA1):c.828+5G>T

Genes: CCNH (cyclin H; minus strand), RASA1 (RAS p21 protein activator 1; plus strand). Cytogenetic location: 5q14.3.
Variant type: single nucleotide variant.
Coding change: c.828+5G>T on transcript NM_002890.3 (MANE Select); 5 bases into the intron after coding-DNA position 828, G replaced by T.
Molecular consequence: intron variant.
Genome position (GRCh38, 1-based): chr5:87,332,647, G>T. VCF-style: chr5-87332647-G-T. GRCh37 (hg19) VCF-style: chr5-86628464-G-T.
Other names: c.297+5G>T (NM_022650.3); c.934-19852C>A (NM_001364075.2).
Identifiers: ClinVar variation 1524107 (VCV001524107.7), dbSNP rs2112369561, ClinGen allele CA2573140125.